The following is an entry in ClinVar:

NM_006908.5(RAC1):c.218C>T (p.Pro73Leu)

Gene: RAC1 (Rac family small GTPase 1; plus strand). Cytogenetic location: 7p22.1.
Variant type: single nucleotide variant.
Coding change: c.218C>T on transcript NM_006908.5 (MANE Select); coding-DNA position 218, C replaced by T.
Protein change: p.Pro73Leu; replaces proline 73 with leucine.
Molecular consequence: missense variant.
Genome position (GRCh38, 1-based): chr7:6,392,034, C>T. VCF-style: chr7-6392034-C-T. GRCh37 (hg19) VCF-style: chr7-6431665-C-T.
Other names: c.218C>T, p.Pro73Leu (NM_018890.4); short protein forms P73L.
Identifiers: ClinVar variation 1098331 (VCV001098331.10), dbSNP rs2115201441, ClinGen allele CA366761632.

ClinVar aggregate classification (germline): Pathogenic/Likely pathogenic. Review status: criteria provided, multiple submitters, no conflicts (2 of 4 stars). 4 submissions from 4 submitters: Pathogenic (1); Likely pathogenic (3). Last evaluated 2022-05-04.

Conditions:
Intellectual developmental disorder, autosomal dominant 48. Also called: MENTAL RETARDATION, AUTOSOMAL DOMINANT 48; Intellectual disability, autosomal dominant 48. Identifiers: Orphanet 500159, MedGen C4540321, MONDO:0030913, OMIM 617751.

Submissions (4):

Mendelics
Classification: Pathogenic for Intellectual developmental disorder, autosomal dominant 48. Last evaluated: 2022-05-04. Review status: criteria provided, single submitter. Criteria: Mendelics Assertion Criteria 2019. Collection method: clinical testing. Allele origin: germline.

Labcorp Genetics (formerly Invitae), Labcorp
Classification: Likely pathogenic. Last evaluated: 2021-11-12. Review status: criteria provided, single submitter. Criteria: Invitae Variant Classification Sherloc (09022015). Collection method: clinical testing. Allele origin: germline.
Comment: This sequence change replaces proline, which is neutral and non-polar, with leucine, which is neutral and non-polar, at codon 73 of the RAC1 protein (p.Pro73Leu). This variant is not present in population databases (gnomAD no frequency). This missense change has been observed in individual(s) with RAC1-related conditions (PMID: 28886345). In at least one individual the variant was observed to be de novo. ClinVar contains an entry for this variant (Variation ID: 1098331). Algorithms developed to predict the effect of missense changes on protein structure and function (SIFT, PolyPhen-2, Align-GVGD) all suggest that this variant is likely to be disruptive. Experimental studies are conflicting or provide insufficient evidence to determine the effect of this variant on RAC1 function (PMID: 28886345). In summary, the currently available evidence indicates that the variant is pathogenic, but additional data are needed to prove that conclusively. Therefore, this variant has been classified as Likely Pathogenic.

Genetics Laboratory, UDIAT-Centre Diagnòstic, Hospital Universitari Parc Tauli
Classification: Likely pathogenic. Last evaluated: 2021-04-26. Review status: criteria provided, single submitter. Criteria: Parc Tauli Hospital Assertion Criteria 2021. Collection method: clinical testing. Allele origin: de novo. Inheritance: Autosomal dominant inheritance. Affected: yes. Observed: 1 heterozygote.
Comment: PM2_supporting;PM6_moderate;PP5_moderate;PP2_supporting;PP3_supporting

Laboratoire de Génétique Moléculaire, CHU Bordeaux
Classification: Likely pathogenic. Review status: criteria provided, single submitter. Criteria: ACMG Guidelines, 2015. Collection method: clinical testing. Allele origin: germline. Affected: yes.

Literature cited by the submitters: PubMed 28886345 (cited by Labcorp Genetics (formerly Invitae), Labcorp).